The following is an entry in ClinVar:

ClinVar aggregate classification (germline): Uncertain significance (1 of 4 stars; one submission).

Submission:

Labcorp Genetics (formerly Invitae), Labcorp
Classification: Uncertain significance. Last evaluated: 2025-01-31. Review status: criteria provided, single submitter. Criteria: Invitae Variant Classification Sherloc (09022015). Collection method: clinical testing. Allele origin: germline.
Comment: This variant occurs in a non-coding region of the CCND2 gene. It does not change the encoded amino acid sequence of the CCND2 protein. This variant is present in population databases (rs774855668, gnomAD 0.006%). This variant has not been reported in the literature in individuals affected with CCND2-related conditions. Experimental studies and prediction algorithms are not available or were not evaluated, and the functional significance of this variant is currently unknown. In summary, the available evidence is currently insufficient to determine the role of this variant in disease. Therefore, it has been classified as a Variant of Uncertain Significance.

NM_001759.4(CCND2):c.*1_*3del (p.Ter290=)

Gene: CCND2 (cyclin D2; plus strand). Cytogenetic location: 12p13.32.
Variant type: Deletion.
Coding change: c.*1_*3del on transcript NM_001759.4 (MANE Select); 1 bases downstream of the stop codon through 3 bases downstream of the stop codon, 3 bases deleted (GGA; older notation c.*1_*3delGGA).
Protein change: p.Ter290=.
Molecular consequence: no sequence alteration.
Genome position (GRCh38, 1-based): chr12:4,300,010-4,300,012, GGA deleted; deleting any 3 consecutive bases within chr12:4,300,008-4,300,012 gives the same sequence; the c. name uses the placement nearest the transcript's 3' end. VCF-style (leftmost placement, unchanged base first): chr12-4300007-TGAG-T. GRCh37 (hg19) VCF-style: chr12-4409173-TGAG-T.
Identifiers: ClinVar variation 4698461 (VCV004698461.1).